The following is an entry in ClinVar:

NM_000051.4(ATM):c.5800_5803delinsATA (p.Leu1934fs)

Genes: ATM (ATM serine/threonine kinase; plus strand), C11orf65 (chromosome 11 open reading frame 65; minus strand). Cytogenetic location: 11q22.3.
Variant type: Indel.
Coding change: c.5800_5803delinsATA on transcript NM_000051.4 (MANE Select); coding-DNA positions 5800 to 5803, CTGG replaced by ATA.
Protein change: p.Leu1934fs; shifts the reading frame from leucine 1934.
Molecular consequence: frameshift variant. On other transcripts: intron variant (2).
Genome position (GRCh38, 1-based): chr11:108,310,197-108,310,200, CTGG replaced by ATA. VCF-style: chr11-108310197-CTGG-ATA. GRCh37 (hg19) VCF-style: chr11-108180924-CTGG-ATA.
Other names: c.5800_5803delinsATA, p.Leu1934fs (NM_001351834.2); c.641-1129_641-1126delinsTAT (NM_001330368.2); c.*39-1129_*39-1126delinsTAT (NM_001351110.2); short protein forms L1934fs.
Identifiers: ClinVar variation 3148564 (VCV003148564.1), dbSNP rs2547026860, ClinGen allele CA2825001921.

ClinVar aggregate classification (germline): Pathogenic (1 of 4 stars; one submission).

Conditions:
Familial cancer of breast. Also called: hereditary breast carcinoma; BREAST CANCER, FAMILIAL; Hereditary breast cancer. Identifiers: Orphanet 227535, MedGen C0346153, MONDO:0016419, OMIM 114480. Disease mechanism: loss of function.

Submission:

Myriad Genetics, Inc.
Classification: Pathogenic for Familial cancer of breast. Last evaluated: 2024-01-26. Review status: criteria provided, single submitter. Criteria: Myriad Autosomal Dominant, Autosomal Recessive and X-Linked Classification Criteria (2023). Collection method: clinical testing. Allele origin: unknown.
Comment: This variant is considered pathogenic. This variant creates a frameshift predicted to result in premature protein truncation.